The following is an entry in ClinVar:

ClinVar aggregate classification (germline): Pathogenic (1 of 4 stars; one submission).

Conditions:
Primary ciliary dyskinesia 3. Identifiers: Orphanet 244, MedGen C1837618, MONDO:0012085, OMIM 608644.

Submission:

Myriad Genetics, Inc.
Classification: Pathogenic for Primary ciliary dyskinesia 3. Last evaluated: 2025-10-07. Review status: criteria provided, single submitter. Criteria: Myriad Autosomal Dominant, Autosomal Recessive and X-Linked Classification Criteria (2023). Collection method: clinical testing. Allele origin: unknown.
Comment: NM_001369.2(DNAH5):c.4340T>G(L1447*) is expected to be pathogenic in the context of primary ciliary dyskinesia, DNAH5-related. This variant is predicted to lead to an abnormal or absent protein product due to the creation of a premature termination codon in DNAH5, a gene where loss-of-function variants are known to be pathogenic. Please note: this variant was assessed in the context of healthy population screening.

NM_001369.3(DNAH5):c.4340T>G (p.Leu1447Ter)

Genes: DNAH5 (dynein axonemal heavy chain 5; minus strand), DNAH5-AS1 (DNAH5 antisense RNA 1; plus strand). Cytogenetic location: 5p15.2.
Variant type: single nucleotide variant.
Coding change: c.4340T>G on transcript NM_001369.3 (MANE Select); coding-DNA position 4340, T replaced by G.
Protein change: p.Leu1447Ter; replaces leucine 1447 with a stop codon.
Molecular consequence: nonsense.
Genome position (GRCh38, 1-based): chr5:13,865,683, A>C on the plus strand (T>G on the coding strand, the complement: DNAH5 is on the minus strand). VCF-style: chr5-13865683-A-C. GRCh37 (hg19) VCF-style: chr5-13865792-A-C.
Other names: short protein forms L1447*.
Identifiers: ClinVar variation 5015058 (VCV005015058.1).